The following is an entry in ClinVar:

NM_001276270.2(MBD4):c.1535A>C (p.Lys512Thr)

Gene: MBD4 (methyl-CpG binding domain 4, DNA glycosylase; minus strand). Cytogenetic location: 3q21.3.
Variant type: single nucleotide variant.
Coding change: c.1535A>C on transcript NM_001276270.2 (MANE Select); coding-DNA position 1535, A replaced by C.
Protein change: p.Lys512Thr; replaces lysine 512 with threonine.
Molecular consequence: missense variant.
Genome position (GRCh38, 1-based): chr3:129,433,106, T>G on the plus strand (A>C on the coding strand, the complement: MBD4 is on the minus strand). VCF-style: chr3-129433106-T-G. GRCh37 (hg19) VCF-style: chr3-129151949-T-G.
Other names: c.1553A>C, p.Lys518Thr (NM_001276271.2, NM_001276272.2, NM_003925.3); c.599A>C, p.Lys200Thr (NM_001276273.2); short protein forms K518T, K200T, K512T.
Identifiers: ClinVar variation 3543777 (VCV003543777.1).
Genomic context (GRCh38, chr3:129,433,106, plus strand): 5'-CTTAAATAAGCACAATGTATTATGTTTTTCCTTTGGGTGTATAGGAAAATACCTGAGAAC[T>G]TGACAATGGTTTTTGCCCGAAGATCGTAGAGACCAAGAGGTTTAAGAAGTTCTGACACAT-3'
Protein context (NP_001263199.1, residues 502-522): LYDLRAKTIV[Lys512Thr]FSDEYLTKQW

ClinVar aggregate classification (germline): Uncertain significance (1 of 4 stars; one submission).

Conditions:
Inborn genetic diseases. Identifiers: MedGen C0950123, MeSH D030342.

gnomAD v4.1: 2 of 1,614,196 alleles (0.00012%); highest among the groups gnomAD compares: South Asian, 0.0011%; no homozygotes.

Submission:

Ambry Genetics
Classification: Uncertain significance for Inborn genetic diseases. Last evaluated: 2024-11-25. Review status: criteria provided, single submitter. Criteria: Ambry Variant Classification Scheme 2023. Collection method: clinical testing. Allele origin: germline.
Comment: The p.K512T variant (also known as c.1535A>C), located in coding exon 6 of the MBD4 gene, results from an A to C substitution at nucleotide position 1535. The lysine at codon 512 is replaced by threonine, an amino acid with similar properties. This amino acid position is conserved. In addition, the in silico prediction for this alteration is inconclusive. Based on the available evidence, the clinical significance of this variant remains unclear.